The following is an entry in ClinVar:

ClinVar aggregate classification (germline): Conflicting classifications of pathogenicity. Review status: criteria provided, conflicting classifications (1 of 4 stars). 3 submissions from 3 submitters: Uncertain significance (2); Likely benign (1). Last evaluated 2023-04-06.

Conditions:
Hereditary cancer-predisposing syndrome. Also called: Tumor predisposition; Neoplastic Syndromes, Hereditary; Hereditary Cancer Syndrome; Hereditary neoplastic syndrome. Identifiers: Orphanet 140162, MedGen C0027672, MeSH D009386, MONDO:0015356.
Hereditary breast ovarian cancer syndrome. Also called: Hereditary breast and ovarian cancer syndrome; Hereditary breast and ovarian cancer; Hereditary breast and ovarian cancer syndrome (HBOC); Hereditary breast and/or ovarian cancer syndrome; Breast and ovarian cancer; BRCA1- and BRCA2-Associated Hereditary Breast and Ovarian Cancer. Identifiers: Orphanet 145, MedGen C0677776, MeSH D061325, MONDO:0003582. Disease mechanism: loss of function.

gnomAD v4.1: 1 of 1,613,946 alleles (0.000062%); highest among the groups gnomAD compares: Non-Finnish European, 0.000085%; no homozygotes.

Submissions (3):

Labcorp Genetics (formerly Invitae), Labcorp
Classification: Uncertain significance for Hereditary breast ovarian cancer syndrome. Last evaluated: 2023-04-06. Review status: criteria provided, single submitter. Criteria: Invitae Variant Classification Sherloc (09022015). Collection method: clinical testing. Allele origin: germline.
Comment: This sequence change replaces aspartic acid, which is acidic and polar, with glutamic acid, which is acidic and polar, at codon 458 of the BRCA1 protein (p.Asp458Glu). This variant is not present in population databases (gnomAD no frequency). This missense change has been observed in individual(s) with breast and/or ovarian cancer (PMID: 15146556). This variant is also known as c.1493C>G. ClinVar contains an entry for this variant (Variation ID: 245916). Advanced modeling of protein sequence and biophysical properties (such as structural, functional, and spatial information, amino acid conservation, physicochemical variation, residue mobility, and thermodynamic stability) performed at Invitae indicates that this missense variant is not expected to disrupt BRCA1 protein function. In summary, the available evidence is currently insufficient to determine the role of this variant in disease. Therefore, it has been classified as a Variant of Uncertain Significance.

University of Washington Department of Laboratory Medicine, University of Washington
Classification: Likely benign for Hereditary cancer-predisposing syndrome. Last evaluated: 2023-03-23. Review status: criteria provided, single submitter. Criteria: Dines et al. (Genet Med. 2020). Collection method: curation. Allele origin: germline.
Comment: Missense variant in a coldspot region where missense variants are very unlikely to be pathogenic (PMID:31911673).

BRCA1 coldspot (exon 11 using historical exon numbering). Reclassification based on statistical prior probability

GeneDx
Classification: Uncertain significance. Last evaluated: 2016-02-24. Review status: criteria provided, single submitter. Criteria: GeneDx Variant Classification (06012015). Collection method: clinical testing. Allele origin: germline. Affected: yes.
Comment: This variant is denoted BRCA1 c.1374C>A at the cDNA level, p.Asp458Glu (D458E) at the protein level, and results in the change of an Aspartic Acid to a Glutamic Acid (GAC>GAA). Using alternate nomenclature, this variant would be defined as BRCA1 1493C>A. This variant has not, to our knowledge, been published in the literature as pathogenic or benign. BRCA1 Asp458Glu was not observed in approximately 6,500 individuals of European and African American ancestry in the NHLBI Exome Sequencing Project, suggesting it is not a common benign variant in these populations. Since Aspartic Acid and Glutamic Acid share similar properties, this is considered a conservative amino acid substitution. BRCA1 Asp458Glu occurs at a position that is conserved across species and is located in the DNA binding domain as well as a region known to interact with multiple other proteins (Narod 2004). In silico analyses are inconsistent regarding the effect this variant may have on protein structure and function. Based on currently available evidence, it is unclear whether BRCA1 Asp458Glu is a pathogenic or benign variant. We consider it to be a variant of uncertain significance.

Literature cited by the submitters: PubMed 15146556 (cited by Labcorp Genetics (formerly Invitae), Labcorp).

NM_007294.4(BRCA1):c.1374C>A (p.Asp458Glu)

Gene: BRCA1 (BRCA1 DNA repair associated; minus strand). Cytogenetic location: 17q21.31.
Variant type: single nucleotide variant.
Coding change: c.1374C>A on transcript NM_007294.4 (MANE Select); coding-DNA position 1374, C replaced by A.
Protein change: p.Asp458Glu; replaces aspartic acid 458 with glutamic acid.
Molecular consequence: missense variant. On other transcripts: intron variant (137).
Genome position (GRCh38, 1-based): chr17:43,094,157, G>T on the plus strand (C>A on the coding strand, the complement: BRCA1 is on the minus strand). VCF-style: chr17-43094157-G-T. GRCh37 (hg19) VCF-style: chr17-41246174-G-T.
Other names: c.1161C>A, p.Asp387Glu (NM_001407571.1, NM_001407853.1, NM_001407894.1 and 9 more transcripts); c.1374C>A, p.Asp458Glu (NM_001407581.1, NM_001407582.1, NM_001407583.1 and 30 more transcripts); c.1371C>A, p.Asp457Glu (NM_001407587.1, NM_001407590.1, NM_001407591.1 and 22 more transcripts); c.1365C>A, p.Asp455Glu (NM_001407646.1, NM_001407647.1); c.1251C>A, p.Asp417Glu (NM_001407648.1, NM_001407664.1, NM_001407665.1 and 19 more transcripts); c.1248C>A, p.Asp416Glu (NM_001407649.1, NM_001407670.1, NM_001407671.1 and 11 more transcripts); c.1296C>A, p.Asp432Glu (NM_001407653.1, NM_001407654.1, NM_001407655.1 and 4 more transcripts); c.1293C>A, p.Asp431Glu (NM_001407659.1, NM_001407660.1, NM_001407661.1 and 1 more transcripts); and 40 more; short protein forms D458E, D411E, D330E, D347E, D416E, D455E, D290E, D369E.
Identifiers: ClinVar variation 245916 (VCV000245916.8), dbSNP rs879253999, ClinGen allele CA10584573.
Genomic context (GRCh38, chr17:43,094,157, plus strand): 5'-AGTTACATGGCTTAAGTTGGGGAGGCTTGCCTTCTTCCGATAGGTTTTCCCAAATATTTT[G>T]TCTTCAATATTACTCTCTACTGATTTGGAGTGAACTCTTTCACTTTTACATATTAAAGCC-3'
Protein context (NP_009225.1, residues 448-468): HSKSVESNIE[Asp458Glu]KIFGKTYRKK